The following is an entry in ClinVar:

ClinVar aggregate classification (germline): Uncertain significance (1 of 4 stars; one submission).

Submission:

Labcorp Genetics (formerly Invitae), Labcorp
Classification: Uncertain significance. Last evaluated: 2025-06-23. Review status: criteria provided, single submitter. Criteria: Invitae Variant Classification Sherloc (09022015). Collection method: clinical testing. Allele origin: germline.
Comment: This sequence change replaces threonine, which is neutral and polar, with proline, which is neutral and non-polar, at codon 705 of the ENPP1 protein (p.Thr705Pro). This variant is not present in population databases (gnomAD no frequency). This variant has not been reported in the literature in individuals affected with ENPP1-related conditions. ClinVar contains an entry for this variant (Variation ID: 2045690). Invitae Evidence Modeling of protein sequence and biophysical properties (such as structural, functional, and spatial information, amino acid conservation, physicochemical variation, residue mobility, and thermodynamic stability) indicates that this missense variant is not expected to disrupt ENPP1 protein function with a negative predictive value of 80%. In summary, the available evidence is currently insufficient to determine the role of this variant in disease. Therefore, it has been classified as a Variant of Uncertain Significance.

NM_006208.3(ENPP1):c.2113A>C (p.Thr705Pro)

Gene: ENPP1 (ectonucleotide pyrophosphatase/phosphodiesterase 1; plus strand). Cytogenetic location: 6q23.2.
Variant type: single nucleotide variant.
Coding change: c.2113A>C on transcript NM_006208.3 (MANE Select); coding-DNA position 2113, A replaced by C.
Protein change: p.Thr705Pro; replaces threonine 705 with proline.
Molecular consequence: missense variant.
Genome position (GRCh38, 1-based): chr6:131,882,357, A>C. VCF-style: chr6-131882357-A-C. GRCh37 (hg19) VCF-style: chr6-132203497-A-C.
Other names: short protein forms T705P.
Identifiers: ClinVar variation 2045690 (VCV002045690.4), dbSNP rs770628042, ClinGen allele CA365653849.
Genomic context (GRCh38, chr6:131,882,357, plus strand): 5'-CTTCTCTGTGCCTGATATCTGAGAGTTCTTCTCATTTTCGTTCTTCAGGACAGTTTCTCT[A>C]CGGAAGACTTCTCCAACTGTCTGTACCAGGACTTTAGAATTCCTCTTAGTCCTGTCCATA-3'
Protein context (NP_006199.2, residues 695-715): YTVDRNDSFS[Thr705Pro]EDFSNCLYQD